The following is an entry in ClinVar:

ClinVar aggregate classification (germline): Pathogenic/Likely pathogenic. Review status: criteria provided, multiple submitters, no conflicts (2 of 4 stars). 3 submissions from 3 submitters: Pathogenic (1); Likely pathogenic (2). Last evaluated 2025-02-12.

Conditions:
Familial dysautonomia. Also called: HSAN III; FD. Identifiers: Orphanet 1764, MedGen C0013364, MONDO:0009131, OMIM 223900. Disease mechanism: loss of function.

Submissions (3):

Natera, Inc.
Classification: Likely pathogenic for Familial dysautonomia. Last evaluated: 2025-02-12. Review status: criteria provided, single submitter. Criteria: Natera Variant Classification Schema (03/2026). Collection method: clinical testing. Allele origin: germline.
Comment: The c.572G>A variant in ELP1 is a nonsense variant predicted to introduce a stop codon at amino acid 191. This variant is expected to result in nonsense mediated decay, truncation, or a dysfunctional protein product. This variant is rare in the general population with a frequency below the threshold expected for the associated phenotype(s). Given the available evidence, this variant is classified as Likely Pathogenic.

Labcorp Genetics (formerly Invitae), Labcorp
Classification: Pathogenic. Last evaluated: 2023-03-28. Review status: criteria provided, single submitter. Criteria: Invitae Variant Classification Sherloc (09022015). Collection method: clinical testing. Allele origin: germline.
Comment: This variant is not present in population databases (gnomAD no frequency). This variant has not been reported in the literature in individuals affected with ELP1-related conditions. ClinVar contains an entry for this variant (Variation ID: 1069538). Algorithms developed to predict the effect of sequence changes on RNA splicing suggest that this variant may disrupt the consensus splice site. For these reasons, this variant has been classified as Pathogenic. This sequence change creates a premature translational stop signal (p.Trp191*) in the ELP1 gene. It is expected to result in an absent or disrupted protein product. Loss-of-function variants in ELP1 are known to be pathogenic (PMID: 18303054, 24173031).

Women's Health and Genetics/Laboratory Corporation of America, LabCorp
Classification: Likely pathogenic for Familial dysautonomia. Last evaluated: 2022-07-18. Review status: criteria provided, single submitter. Criteria: LabCorp Variant Classification Summary - May 2015. Collection method: clinical testing. Allele origin: germline.
Comment: Variant summary: IKBKAP (also known as ELP1) c.572G>A (p.Trp191X) results in a premature termination codon, predicted to cause a truncation of the encoded protein or absence of the protein due to nonsense mediated decay, which are commonly known mechanisms for disease. Truncations downstream of this position have been classified as pathogenic by our laboratory. The variant was absent in 251362 control chromosomes. To our knowledge, no occurrence of c.572G>A in individuals affected with Familial Dysautonomia and no experimental evidence demonstrating its impact on protein function have been reported. One clinical diagnostic laboratory has submitted clinical-significance assessments for this variant to ClinVar after 2014 without evidence for independent evaluation and classified the variant as pathogenic. Based on the evidence outlined above, the variant was classified as likely pathogenic.

Literature cited by the submitters: PubMed 18303054 (cited by Labcorp Genetics (formerly Invitae), Labcorp); PubMed 24173031 (cited by Labcorp Genetics (formerly Invitae), Labcorp).

NM_003640.5(ELP1):c.572G>A (p.Trp191Ter)

Gene: ELP1 (elongator acetyltransferase complex subunit 1; minus strand). Cytogenetic location: 9q31.3.
Variant type: single nucleotide variant.
Coding change: c.572G>A on transcript NM_003640.5 (MANE Select); coding-DNA position 572, G replaced by A.
Protein change: p.Trp191Ter; replaces tryptophan 191 with a stop codon.
Molecular consequence: nonsense. On other transcripts: intron variant (1).
Genome position (GRCh38, 1-based): chr9:108,919,330, C>T on the plus strand (G>A on the coding strand, the complement: ELP1 is on the minus strand). VCF-style: chr9-108919330-C-T. GRCh37 (hg19) VCF-style: chr9-111681610-C-T.
Other names: c.230G>A, p.Trp77Ter (NM_001318360.2); c.-307-1660G>A (NM_001330749.2); short protein forms W191*, W77*.
Identifiers: ClinVar variation 1069538 (VCV001069538.9), dbSNP rs1829561209, ClinGen allele CA374388632.
Genomic context (GRCh38, chr9:108,919,330, plus strand): 5'-ACACTCACAGCAAAAAACTGTCCATCCCCCCGCCAGGTAACTTGTGGTCTATGGTCATCC[C>T]AGGGCAAAGCAGACTCATGCTAAAAAGGGGAACAAACACCAATATTACTGGGGGACCTTA-3'